The following is an entry in ClinVar:

NM_001289080.2(CNTN6):c.2647_2651dup (p.Ala885fs)

Gene: CNTN6 (contactin 6; plus strand). Cytogenetic location: 3p26.3.
Variant type: Duplication.
Coding change: c.2647_2651dup on transcript NM_001289080.2 (MANE Select); coding-DNA positions 2647 to 2651, 5 bases duplicated (AACAC; older notation c.2647_2651dupAACAC).
Protein change: p.Ala885fs; shifts the reading frame from alanine 885.
Molecular consequence: frameshift variant.
Genome position (GRCh38, 1-based): chr3:1,385,740-1,385,744, AACAC duplicated; duplicating any 5 consecutive bases within chr3:1,385,738-1,385,744 gives the same sequence; the c. name uses the placement nearest the transcript's 3' end. VCF-style (leftmost placement, unchanged base first): chr3-1385737-T-TACAAC. GRCh37 (hg19) VCF-style: chr3-1427421-T-TACAAC.
Other names: c.2431_2435dup, p.Ala813fs (NM_001289081.2); c.2647_2651dup, p.Ala885fs (NM_001349350.2, NM_001349351.2, NM_001349352.2 and 4 more transcripts); c.2539_2543dup, p.Ala849fs (NM_001349356.2); c.2335_2339dup, p.Ala781fs (NM_001349357.2); c.2092_2096dup, p.Ala700fs (NM_001349358.2); c.1525_1529dup, p.Ala511fs (NM_001349359.2, NM_001349360.2, NM_001349361.2 and 1 more transcripts); short protein forms A511fs, A700fs, A781fs, A813fs, A849fs, A885fs.
Identifiers: ClinVar variation 4292219 (VCV004292219.1).

ClinVar aggregate classification (germline): Uncertain significance (1 of 4 stars; one submission).

Conditions:
CNTN6-related disorder. Also called: CNTN6-related condition.

Submission:

3billion
Classification: Uncertain significance for CNTN6-related disorder. Last evaluated: 2025-03-07. Review status: criteria provided, single submitter. Criteria: ACMG Guidelines, 2015. Collection method: clinical testing. Allele origin: germline. Affected: yes.
Comment: The variant is observed at an extremely low frequency in the gnomAD v4.1.0 dataset (total allele frequency: <0.001%). Predicted Consequence/Location: Frameshift: predicted to result in a loss or disruption of normal protein function through nonsense-mediated decay (NMD) or protein truncation. Therefore, this variant is classified as VUS according to the recommendation of ACMG/AMP guideline.